The following is an entry in ClinVar:

NM_017613.4(DONSON):c.547G>T (p.Ala183Ser)

Gene: DONSON (DNA replication fork stabilization factor DONSON; minus strand). Cytogenetic location: 21q22.11.
Variant type: single nucleotide variant.
Coding change: c.547G>T on transcript NM_017613.4 (MANE Select); coding-DNA position 547, G replaced by T.
Protein change: p.Ala183Ser; replaces alanine 183 with serine.
Molecular consequence: missense variant.
Genome position (GRCh38, 1-based): chr21:33,586,037, C>A on the plus strand (G>T on the coding strand, the complement: DONSON is on the minus strand). VCF-style: chr21-33586037-C-A. GRCh37 (hg19) VCF-style: chr21-34958343-C-A.
Other names: c.547G>T (NM_017613.2); short protein forms A183S.
Identifiers: ClinVar variation 1354046 (VCV001354046.9), dbSNP rs147415181, ClinGen allele CA10010580.

ClinVar aggregate classification (germline): Conflicting classifications of pathogenicity. Review status: criteria provided, conflicting classifications (1 of 4 stars). 3 submissions from 3 submitters: Uncertain significance (2); Likely benign (1). Last evaluated 2025-10-21.

Conditions:
Inborn genetic diseases. Identifiers: MedGen C0950123, MeSH D030342.

Allele frequency attached by ClinVar (database versions not stated): gnomAD 0.00034 and 0.00036; TOPMed 0.00034; gnomAD exomes 0.00038 and 0.00040; ExAC 0.00050; ESP Exome Variant Server 0.00069.
gnomAD v4.1: 602 of 1,614,060 alleles (0.037%); highest among the groups gnomAD compares: Non-Finnish European, 0.046%; 1 homozygote.

Submissions (3):

Labcorp Genetics (formerly Invitae), Labcorp
Classification: Likely benign. Last evaluated: 2025-10-21. Review status: criteria provided, single submitter. Criteria: Invitae Variant Classification Sherloc (09022015). Collection method: clinical testing. Allele origin: germline.

Women's Health and Genetics/Laboratory Corporation of America, LabCorp
Classification: Uncertain significance. Last evaluated: 2025-02-19. Review status: criteria provided, single submitter. Criteria: LabCorp Variant Classification Summary - May 2015. Collection method: clinical testing. Allele origin: germline.
Comment: Variant summary: DONSON c.547G>T (p.Ala183Ser) results in a conservative amino acid change in the encoded protein sequence. Three of five in-silico tools predict a damaging effect of the variant on protein function. The variant allele was found at a frequency of 0.0004 in 251480 control chromosomes in the gnomAD database, including 1 homozygote. This frequency is not significantly higher than estimated for a pathogenic variant in DONSON causing Microcephaly, Short Stature, And Limb Abnormalities, allowing no conclusion about variant significance. To our knowledge, no occurrence of c.547G>T in individuals affected with Microcephaly, Short Stature, And Limb Abnormalities and no experimental evidence demonstrating its impact on protein function have been reported. ClinVar contains an entry for this variant (Variation ID: 1354046). Based on the evidence outlined above, the variant was classified as uncertain significance.

Ambry Genetics
Classification: Uncertain significance for Inborn genetic diseases. Last evaluated: 2024-11-27. Review status: criteria provided, single submitter. Criteria: Ambry Variant Classification Scheme 2023. Collection method: clinical testing. Allele origin: germline.